The following is an entry in ClinVar:

NM_006648.4(WNK2):c.2066C>T (p.Pro689Leu)

Gene: WNK2 (WNK lysine deficient protein kinase 2; plus strand). Cytogenetic location: 9q22.31.
Variant type: single nucleotide variant.
Coding change: c.2066C>T on transcript NM_006648.4 (MANE Select); coding-DNA position 2066, C replaced by T.
Protein change: p.Pro689Leu; replaces proline 689 with leucine.
Molecular consequence: missense variant.
Genome position (GRCh38, 1-based): chr9:93,256,330, C>T. VCF-style: chr9-93256330-C-T. GRCh37 (hg19) VCF-style: chr9-96018612-C-T.
Other names: c.2066C>T, p.Pro689Leu (NM_001282394.3); short protein forms P689L.
Identifiers: ClinVar variation 3982158 (VCV003982158.1).

ClinVar aggregate classification (germline): Uncertain significance (1 of 4 stars; one submission).

Submission:

Ambry Genetics
Classification: Uncertain significance. Last evaluated: 2025-06-02. Review status: criteria provided, single submitter. Criteria: Ambry Variant Classification Scheme 2023. Collection method: clinical testing. Allele origin: germline.
Comment: The p.P689L variant (also known as c.2066C>T), located in coding exon 9 of the WNK2 gene, results from a C to T substitution at nucleotide position 2066. The proline at codon 689 is replaced by leucine, an amino acid with similar properties. This amino acid position is conserved. In addition, this alteration is predicted to be tolerated by in silico analysis. Based on the available evidence, the clinical significance of this variant remains unclear.